The following is an entry in ClinVar:

ClinVar aggregate classification (germline): Uncertain significance (1 of 4 stars; one submission).

Allele frequency attached by ClinVar (database versions not stated): ExAC 0.00001; gnomAD exomes 0.00001.
gnomAD v4.1: 33 of 1,613,896 alleles (0.002%); highest among the groups gnomAD compares: African/African-American, 0.004%; no homozygotes.

Submission:

Labcorp Genetics (formerly Invitae), Labcorp
Classification: Uncertain significance. Last evaluated: 2022-11-01. Review status: criteria provided, single submitter. Criteria: Invitae Variant Classification Sherloc (09022015). Collection method: clinical testing. Allele origin: germline.
Comment: This sequence change replaces glycine, which is neutral and non-polar, with arginine, which is basic and polar, at codon 464 of the GRM6 protein (p.Gly464Arg). The frequency data for this variant in the population databases is considered unreliable, as metrics indicate poor data quality at this position in the gnomAD database. This missense change has been observed in individual(s) with congenital stationary night blindness (PMID: 31677249). In at least one individual the data is consistent with being in trans (on the opposite chromosome) from a pathogenic variant. It has also been observed to segregate with disease in related individuals. ClinVar contains an entry for this variant (Variation ID: 1024442). Algorithms developed to predict the effect of missense changes on protein structure and function (SIFT, PolyPhen-2, Align-GVGD) all suggest that this variant is likely to be disruptive. In summary, the available evidence is currently insufficient to determine the role of this variant in disease. Therefore, it has been classified as a Variant of Uncertain Significance.

Literature cited by the submitters: PubMed 31677249.

NM_000843.4(GRM6):c.1390G>C (p.Gly464Arg)

Genes: GRM6 (glutamate metabotropic receptor 6; minus strand), ZNF454 (zinc finger protein 454; plus strand). Cytogenetic location: 5q35.3.
Variant type: single nucleotide variant.
Coding change: c.1390G>C on transcript NM_000843.4 (MANE Select); coding-DNA position 1390, G replaced by C.
Protein change: p.Gly464Arg; replaces glycine 464 with arginine.
Molecular consequence: missense variant.
Genome position (GRCh38, 1-based): chr5:178,986,948, C>G on the plus strand (G>C on the coding strand, the complement: GRM6 is on the minus strand). VCF-style: chr5-178986948-C-G. GRCh37 (hg19) VCF-style: chr5-178413949-C-G.
Other names: short protein forms G464R.
Identifiers: ClinVar variation 1024442 (VCV001024442.10), dbSNP rs748724069, ClinGen allele CA3594065.
Genomic context (GRCh38, chr5:178,986,948, plus strand): 5'-TGCTGGCACTGCCATTGGTCGCCTGGTACTGGAAGATGTCGTACCGCCCGGGCGCATCTC[C>G]GTTCTCGTTGAACATCACAGGGGTTCCTGCGCTGCCTGGAGAGAGAGTCCGTCATCCTCG-3'
Protein context (NP_000834.2, residues 454-474): AGTPVMFNEN[Gly464Arg]DAPGRYDIFQ